The following is an entry in ClinVar:

NM_000081.4(LYST):c.1862A>G (p.Asp621Gly)

Gene: LYST (lysosomal trafficking regulator; minus strand). Cytogenetic location: 1q42.3.
Variant type: single nucleotide variant.
Coding change: c.1862A>G on transcript NM_000081.4 (MANE Select); coding-DNA position 1862, A replaced by G.
Protein change: p.Asp621Gly; replaces aspartic acid 621 with glycine.
Molecular consequence: missense variant.
Genome position (GRCh38, 1-based): chr1:235,808,956, T>C on the plus strand (A>G on the coding strand, the complement: LYST is on the minus strand). VCF-style: chr1-235808956-T-C. GRCh37 (hg19) VCF-style: chr1-235972256-T-C.
Other names: c.1862A>G, p.Asp621Gly (NM_001301365.1); short protein forms D621G.
Identifiers: ClinVar variation 1391996 (VCV001391996.5), dbSNP rs772932657, ClinGen allele CA344961474.
Genomic context (GRCh38, chr1:235,808,956, plus strand): 5'-GTACAAATATTACAAGCTGCTTTTTTAATTTTTGGTGATATCTCTGCTCCTCCTAACTGA[T>C]CCAAAATAAGTTTGTTAAGGATATTCAATATATGCTGCTGAAAATTTTTCAGTGCTGGCA-3'
Protein context (NP_000072.2, residues 611-631): ILNILNKLIL[Asp621Gly]QLGGAEISPK

ClinVar aggregate classification (germline): Uncertain significance (1 of 4 stars; one submission).

Conditions:
Chédiak-Higashi syndrome (CHS). Also called: Chediak-Higashi Syndrome. Identifiers: Orphanet 167, MedGen C0007965, MONDO:0008963, OMIM 214500.

gnomAD v4.1: 3 of 1,613,924 alleles (0.00019%); highest among the groups gnomAD compares: Non-Finnish European, 0.00025%; no homozygotes.

Submission:

Labcorp Genetics (formerly Invitae), Labcorp
Classification: Uncertain significance for Chédiak-Higashi syndrome. Last evaluated: 2021-09-01. Review status: criteria provided, single submitter. Criteria: Invitae Variant Classification Sherloc (09022015). Collection method: clinical testing. Allele origin: germline.
Comment: This sequence change replaces aspartic acid with glycine at codon 621 of the LYST protein (p.Asp621Gly). The aspartic acid residue is moderately conserved and there is a moderate physicochemical difference between aspartic acid and glycine. This variant is not present in population databases (ExAC no frequency). This variant has not been reported in the literature in individuals affected with LYST-related conditions. Algorithms developed to predict the effect of missense changes on protein structure and function (SIFT, PolyPhen-2, Align-GVGD) all suggest that this variant is likely to be tolerated. Algorithms developed to predict the effect of sequence changes on RNA splicing suggest that this variant may create or strengthen a splice site. In summary, the available evidence is currently insufficient to determine the role of this variant in disease. Therefore, it has been classified as a Variant of Uncertain Significance.